The following is an entry in ClinVar:

NM_002485.5(NBN):c.527A>G (p.Tyr176Cys)

Gene: NBN (nibrin; minus strand). Cytogenetic location: 8q21.3.
Variant type: single nucleotide variant.
Coding change: c.527A>G on transcript NM_002485.5 (MANE Select); coding-DNA position 527, A replaced by G.
Protein change: p.Tyr176Cys; replaces tyrosine 176 with cysteine.
Molecular consequence: missense variant.
Genome position (GRCh38, 1-based): chr8:89,978,277, T>C on the plus strand (A>G on the coding strand, the complement: NBN is on the minus strand). VCF-style: chr8-89978277-T-C. GRCh37 (hg19) VCF-style: chr8-90990505-T-C.
Other names: c.281A>G, p.Tyr94Cys (NM_001024688.3, NM_001440379.1, NM_001440380.1); short protein forms Y176C, Y94C.
Identifiers: ClinVar variation 5025403 (VCV005025403.1).

ClinVar aggregate classification (germline): Uncertain significance (1 of 4 stars; one submission).

Conditions:
Hereditary cancer-predisposing syndrome. Also called: Neoplastic Syndromes, Hereditary; Tumor predisposition; Hereditary neoplastic syndrome; Hereditary Cancer Syndrome. Identifiers: Orphanet 140162, MedGen C0027672, MeSH D009386, MONDO:0015356.

Submission:

Ambry Genetics
Classification: Uncertain significance for Hereditary cancer-predisposing syndrome. Last evaluated: 2026-07-06. Review status: criteria provided, single submitter. Criteria: Ambry Variant Classification Scheme 2023. Collection method: clinical testing. Allele origin: germline.
Comment: The p.Y176C variant (also known as c.527A>G), located in coding exon 5 of the NBN gene, results from an A to G substitution at nucleotide position 527. The tyrosine at codon 176 is replaced by cysteine, an amino acid with highly dissimilar properties. This amino acid position is conserved. In addition, the in silico prediction for this alteration is inconclusive. Based on the available evidence, the clinical significance of this variant remains unclear.